The following is an entry in ClinVar:

ClinVar aggregate classification (germline): Uncertain significance. Review status: criteria provided, multiple submitters, no conflicts (2 of 4 stars). 2 submissions from 2 submitters: Uncertain significance (2). Last evaluated 2024-12-10.

Conditions:
Hereditary cancer-predisposing syndrome. Also called: Neoplastic Syndromes, Hereditary; Hereditary Cancer Syndrome; Tumor predisposition; Hereditary neoplastic syndrome. Identifiers: Orphanet 140162, MedGen C0027672, MeSH D009386, MONDO:0015356.
Familial adenomatous polyposis 1 (FAP1). Also called: FAMILIAL ADENOMATOUS POLYPOSIS 1, ATTENUATED; POLYPOSIS, ADENOMATOUS INTESTINAL. Identifiers: MedGen C2713442, MONDO:0021056, OMIM 175100. Disease mechanism: loss of function.

Submissions (2):

Ambry Genetics
Classification: Uncertain significance for Hereditary cancer-predisposing syndrome. Last evaluated: 2024-12-10. Review status: criteria provided, single submitter. Criteria: Ambry Variant Classification Scheme 2023. Collection method: clinical testing. Allele origin: germline.

Labcorp Genetics (formerly Invitae), Labcorp
Classification: Uncertain significance for Familial adenomatous polyposis 1. Last evaluated: 2020-01-31. Review status: criteria provided, single submitter. Criteria: Invitae Variant Classification Sherloc (09022015). Collection method: clinical testing. Allele origin: germline.
Comment: In summary, the available evidence is currently insufficient to determine the role of this variant in disease. Therefore, it has been classified as a Variant of Uncertain Significance. Algorithms developed to predict the effect of missense changes on protein structure and function output the following: SIFT: "Tolerated"; PolyPhen-2: "Benign"; Align-GVGD: "Class C0". The alanine amino acid residue is found in multiple mammalian species, suggesting that this missense change does not adversely affect protein function. These predictions have not been confirmed by published functional studies and their clinical significance is uncertain. This variant has not been reported in the literature in individuals with APC-related conditions. This variant is not present in population databases (ExAC no frequency). This sequence change replaces glycine with alanine at codon 2294 of the APC protein (p.Gly2294Ala). The glycine residue is highly conserved and there is a small physicochemical difference between glycine and alanine.

NM_000038.6(APC):c.6881G>C (p.Gly2294Ala)

Gene: APC (APC regulator of Wnt signaling pathway; plus strand). Cytogenetic location: 5q22.2.
Variant type: single nucleotide variant.
Coding change: c.6881G>C on transcript NM_000038.6 (MANE Select); coding-DNA position 6881, G replaced by C.
Protein change: p.Gly2294Ala; replaces glycine 2294 with alanine.
Molecular consequence: missense variant.
Genome position (GRCh38, 1-based): chr5:112,842,475, G>C. VCF-style: chr5-112842475-G-C. GRCh37 (hg19) VCF-style: chr5-112178172-G-C.
Other names: c.6881G>C (NM_000038.5); c.6881G>C, p.Gly2294Ala (NM_001127510.3, NM_001354895.2); c.6827G>C, p.Gly2276Ala (NM_001127511.3); c.6935G>C, p.Gly2312Ala (NM_001354896.2); c.6911G>C, p.Gly2304Ala (NM_001354897.2); c.6806G>C, p.Gly2269Ala (NM_001354898.2); c.6797G>C, p.Gly2266Ala (NM_001354899.2); c.6758G>C, p.Gly2253Ala (NM_001354900.2); and 6 more; short protein forms G2134A, G2193A, G2276A, G2203A, G2294A, G2312A, G2168A, G2235A.
Identifiers: ClinVar variation 1036934 (VCV001036934.50), dbSNP rs1554087820, ClinGen allele CA16036348.